The following is an entry in ClinVar:

ClinVar aggregate classification (germline): Uncertain significance. Review status: criteria provided, multiple submitters, no conflicts (2 of 4 stars). 2 submissions from 2 submitters: Uncertain significance (2). Last evaluated 2025-12-11.

Conditions:
Inborn genetic diseases. Identifiers: MedGen C0950123, MeSH D030342.

gnomAD v4.1: 12 of 1,608,482 alleles (0.00075%); highest among the groups gnomAD compares: Admixed American, 0.01%; no homozygotes.

Submissions (2):

Ambry Genetics
Classification: Uncertain significance for Inborn genetic diseases. Last evaluated: 2025-12-11. Review status: criteria provided, single submitter. Criteria: Ambry Variant Classification Scheme 2023. Collection method: clinical testing. Allele origin: germline.

Labcorp Genetics (formerly Invitae), Labcorp
Classification: Uncertain significance. Last evaluated: 2025-03-04. Review status: criteria provided, single submitter. Criteria: Invitae Variant Classification Sherloc (09022015). Collection method: clinical testing. Allele origin: germline.
Comment: This sequence change replaces glycine, which is neutral and non-polar, with valine, which is neutral and non-polar, at codon 258 of the GDF5 protein (p.Gly258Val). This variant is present in population databases (no rsID available, gnomAD 0.01%). This variant has not been reported in the literature in individuals affected with GDF5-related conditions. Invitae Evidence Modeling of protein sequence and biophysical properties (such as structural, functional, and spatial information, amino acid conservation, physicochemical variation, residue mobility, and thermodynamic stability) indicates that this missense variant is not expected to disrupt GDF5 protein function with a negative predictive value of 80%. In summary, the available evidence is currently insufficient to determine the role of this variant in disease. Therefore, it has been classified as a Variant of Uncertain Significance.

NM_000557.5(GDF5):c.773G>T (p.Gly258Val)

Genes: GDF5 (growth differentiation factor 5; minus strand), GDF5-AS1 (GDF5 antisense RNA 1; plus strand). Cytogenetic location: 20q11.22.
Variant type: single nucleotide variant.
Coding change: c.773G>T on transcript NM_000557.5 (MANE Select); coding-DNA position 773, G replaced by T.
Protein change: p.Gly258Val; replaces glycine 258 with valine.
Molecular consequence: missense variant. On other transcripts: non-coding transcript variant (1).
Genome position (GRCh38, 1-based): chr20:35,434,642, C>A on the plus strand (G>T on the coding strand, the complement: GDF5 is on the minus strand). VCF-style: chr20-35434642-C-A. GRCh37 (hg19) VCF-style: chr20-34022440-C-A.
Other names: c.773G>T, p.Gly258Val (NM_001319138.2); short protein forms G258V.
Identifiers: ClinVar variation 4620698 (VCV004620698.2).